The following is an entry in ClinVar:

ClinVar aggregate classification (germline): Uncertain significance. Review status: criteria provided, multiple submitters, no conflicts (2 of 4 stars). 8 submissions from 4 submitters: Uncertain significance (8). Last evaluated 2025-12-16.

Conditions:
Paramyotonia congenita of Von Eulenburg. Also called: PARALYSIS PERIODICA PARAMYOTONICA; Eulenburg disease; Myotonia congenita intermittens; Von Eulenburg paramyotonia congenita; Paramyotonia Congenita. Identifiers: Orphanet 684, MedGen C0221055, MONDO:0008195, OMIM 168300. Disease mechanism: loss of function.
Congenital myopathy 22A, classic (CMYO22A). Identifiers: MedGen C5830453, MONDO:0957247, OMIM 620351.
Congenital myopathy 22B, severe fetal (CMYO22B). Identifiers: MedGen C5830501, MONDO:0957265, OMIM 620369.
Congenital myasthenic syndrome 16. Identifiers: Orphanet 590, MedGen C3280112, MONDO:0013620, OMIM 614198.
Hypokalemic periodic paralysis, type 2 (HOKPP2). Identifiers: Orphanet 681, MedGen C2750061, MONDO:0013234, OMIM 613345.
Potassium-aggravated myotonia. Also called: Myotonia congenita, atypical, acetazolamide-responsive; MYOTONIA CONGENITA, ACETAZOLAMIDE-RESPONSIVE; MYOTONIA CONGENITA, ATYPICAL; SODIUM CHANNEL MUSCLE DISEASE. Identifiers: Orphanet 612, Orphanet 99734, Orphanet 99735, Orphanet 99736, MedGen C2931826, MONDO:0018959, OMIM 608390.
Hyperkalemic periodic paralysis. Also called: Gamstorp disease; Familial hyperkalemic periodic paralysis. Identifiers: Orphanet 682, MedGen C0238357, MONDO:0008224, OMIM 170500, HP:0007215.
Inborn genetic diseases. Identifiers: MedGen C0950123, MeSH D030342.

Allele frequency attached by ClinVar (database versions not stated): TOPMed 0.00001; gnomAD 0.00001.
gnomAD v4.1: 29 of 1,610,092 alleles (0.0018%); highest among the groups gnomAD compares: East Asian, 0.0067%; no homozygotes.

Submissions (8):

Ambry Genetics
Classification: Uncertain significance for Inborn genetic diseases. Last evaluated: 2025-12-16. Review status: criteria provided, single submitter. Criteria: Ambry Variant Classification Scheme 2023. Collection method: clinical testing. Allele origin: germline.

Fulgent Genetics
Classification: Uncertain significance for Paramyotonia congenita of Von Eulenburg; Hyperkalemic periodic paralysis; Potassium-aggravated myotonia; Hypokalemic periodic paralysis, type 2; Congenital myasthenic syndrome 16; Congenital myopathy 22A, classic; Congenital myopathy 22B, severe fetal. Last evaluated: 2024-01-30. Review status: criteria provided, single submitter. Criteria: ACMG Guidelines, 2015. Collection method: clinical testing. Allele origin: germline.

Labcorp Genetics (formerly Invitae), Labcorp
Classification: Uncertain significance for Hyperkalemic periodic paralysis. Last evaluated: 2022-11-02. Review status: criteria provided, single submitter. Criteria: Invitae Variant Classification Sherloc (09022015). Collection method: clinical testing. Allele origin: germline.
Comment: In summary, the available evidence is currently insufficient to determine the role of this variant in disease. Therefore, it has been classified as a Variant of Uncertain Significance. Advanced modeling of protein sequence and biophysical properties (such as structural, functional, and spatial information, amino acid conservation, physicochemical variation, residue mobility, and thermodynamic stability) performed at Invitae indicates that this missense variant is not expected to disrupt SCN4A protein function. ClinVar contains an entry for this variant (Variation ID: 888970). This variant has not been reported in the literature in individuals affected with SCN4A-related conditions. This variant is present in population databases (rs779470034, gnomAD 0.01%). This sequence change replaces alanine, which is neutral and non-polar, with valine, which is neutral and non-polar, at codon 1453 of the SCN4A protein (p.Ala1453Val).

Illumina Laboratory Services, Illumina
Classification: Uncertain significance for Potassium-aggravated myotonia. Last evaluated: 2017-04-27. Review status: criteria provided, single submitter. Criteria: ICSL Variant Classification Criteria 13 December 2019. Collection method: clinical testing. Allele origin: germline.

Illumina Laboratory Services, Illumina
Classification: Uncertain significance for Hyperkalemic periodic paralysis. Last evaluated: 2017-04-27. Review status: criteria provided, single submitter. Criteria: ICSL Variant Classification Criteria 13 December 2019. Collection method: clinical testing. Allele origin: germline.

Illumina Laboratory Services, Illumina
Classification: Uncertain significance for Paramyotonia congenita of Von Eulenburg. Last evaluated: 2017-04-27. Review status: criteria provided, single submitter. Criteria: ICSL Variant Classification Criteria 13 December 2019. Collection method: clinical testing. Allele origin: germline.

Illumina Laboratory Services, Illumina
Classification: Uncertain significance for Congenital myasthenic syndrome 16. Last evaluated: 2017-04-27. Review status: criteria provided, single submitter. Criteria: ICSL Variant Classification Criteria 13 December 2019. Collection method: clinical testing. Allele origin: germline.

Illumina Laboratory Services, Illumina
Classification: Uncertain significance for Hypokalemic periodic paralysis, type 2. Last evaluated: 2017-04-27. Review status: criteria provided, single submitter. Criteria: ICSL Variant Classification Criteria 13 December 2019. Collection method: clinical testing. Allele origin: germline.

NM_000334.4(SCN4A):c.4358C>T (p.Ala1453Val)

Genes: GH-LCR (growth hormone locus control region; plus strand), SCN4A (sodium voltage-gated channel alpha subunit 4; minus strand). Cytogenetic location: 17q23.3.
Variant type: single nucleotide variant.
Coding change: c.4358C>T on transcript NM_000334.4 (MANE Select); coding-DNA position 4358, C replaced by T.
Protein change: p.Ala1453Val; replaces alanine 1453 with valine.
Molecular consequence: missense variant.
Genome position (GRCh38, 1-based): chr17:63,941,924, G>A on the plus strand (C>T on the coding strand, the complement: SCN4A is on the minus strand). VCF-style: chr17-63941924-G-A. GRCh37 (hg19) VCF-style: chr17-62019284-G-A.
Other names: short protein forms A1453V.
Identifiers: ClinVar variation 888970 (VCV000888970.12), dbSNP rs779470034, ClinGen allele CA8708984.
Genomic context (GRCh38, chr17:63,941,924, plus strand): 5'-AACAGCAGCGTCCGGATGCCCTTGGCCCCGCGGATCAGCCGCAGGACACGCCCAATCCGC[G>A]CCAGGCGGATCACACGGAACAGCGTGGGTGACACGAAGTACTTCTGGATCAGGTCAGAGA-3'
Protein context (NP_000325.4, residues 1443-1463): SPTLFRVIRL[Ala1453Val]RIGRVLRLIR